The following is an entry in ClinVar:

NM_006509.4(RELB):c.721C>T (p.Arg241Trp)

Gene: RELB (RELB proto-oncogene, NF-kB subunit; plus strand). Cytogenetic location: 19q13.32.
Variant type: single nucleotide variant.
Coding change: c.721C>T on transcript NM_006509.4 (MANE Select); coding-DNA position 721, C replaced by T.
Protein change: p.Arg241Trp; replaces arginine 241 with tryptophan.
Molecular consequence: missense variant.
Genome position (GRCh38, 1-based): chr19:45,025,387, C>T. VCF-style: chr19-45025387-C-T. GRCh37 (hg19) VCF-style: chr19-45528645-C-T.
Other names: c.721C>T (NM_006509.3); short protein forms R241W.
Identifiers: ClinVar variation 1420830 (VCV001420830.9), dbSNP rs369236650, ClinGen allele CA9507633.
Genomic context (GRCh38, chr19:45,025,387, plus strand): 5'-AGTTTTAACAACCTGGGCATCCAGTGTGTGAGGAAGAAGGAGATTGAGGCTGCCATTGAG[C>T]GGAAGATTCAACTGGGCATTGACCCCTACAACGGTGAGCACCCCCTGCCTGACCTGACCA-3'
Protein context (NP_006500.2, residues 231-251): RKKEIEAAIE[Arg241Trp]KIQLGIDPYN

ClinVar aggregate classification (germline): Uncertain significance. Review status: criteria provided, multiple submitters, no conflicts (2 of 4 stars). 2 submissions from 2 submitters: Uncertain significance (2). Last evaluated 2025-06-02.

Allele frequency attached by ClinVar (database versions not stated): gnomAD 0.00002; TOPMed 0.00002; ExAC 0.00003; ESP Exome Variant Server 0.00016.

Submissions (2):

Labcorp Genetics (formerly Invitae), Labcorp
Classification: Uncertain significance. Last evaluated: 2025-06-02. Review status: criteria provided, single submitter. Criteria: Invitae Variant Classification Sherloc (09022015). Collection method: clinical testing. Allele origin: germline.
Comment: This sequence change replaces arginine, which is basic and polar, with tryptophan, which is neutral and slightly polar, at codon 241 of the RELB protein (p.Arg241Trp). This variant is present in population databases (rs369236650, gnomAD 0.006%). This variant has not been reported in the literature in individuals affected with RELB-related conditions. ClinVar contains an entry for this variant (Variation ID: 1420830). An algorithm developed to predict the effect of missense changes on protein structure and function (PolyPhen-2) suggests that this variant is likely to be disruptive. In summary, the available evidence is currently insufficient to determine the role of this variant in disease. Therefore, it has been classified as a Variant of Uncertain Significance.

Ambry Genetics
Classification: Uncertain significance. Last evaluated: 2023-12-16. Review status: criteria provided, single submitter. Criteria: Ambry Variant Classification Scheme 2023. Collection method: clinical testing. Allele origin: germline.